The following is an entry in ClinVar:

NM_002519.3(NPAT):c.277C>A (p.Leu93Ile)

Gene: NPAT (nuclear protein, coactivator of histone transcription; minus strand). Cytogenetic location: 11q22.3.
Variant type: single nucleotide variant.
Coding change: c.277C>A on transcript NM_002519.3 (MANE Select); coding-DNA position 277, C replaced by A.
Protein change: p.Leu93Ile; replaces leucine 93 with isoleucine.
Molecular consequence: missense variant.
Genome position (GRCh38, 1-based): chr11:108,192,131, G>T on the plus strand (C>A on the coding strand, the complement: NPAT is on the minus strand). VCF-style: chr11-108192131-G-T. GRCh37 (hg19) VCF-style: chr11-108062858-G-T.
Other names: c.277C>A, p.Leu93Ile (NM_001321307.1); short protein forms L93I.
Identifiers: ClinVar variation 1795896 (VCV001795896.2), dbSNP rs2496751272, ClinGen allele CA382526541.
Genomic context (GRCh38, chr11:108,192,131, plus strand): 5'-TGTATTTGCATTCCAAAATCATTAGGCACATTCTAATAGCTTATTACCTGATCTGAGAAA[G>T]TGTATGGTCCAATTTCTTCCATAGAGATGACATTATTGCTGGGACATTATTTGATGTTTC-3'
Protein context (NP_002510.2, residues 83-103): SSLWKKLDHT[Leu93Ile]SQIRSMQSSP

ClinVar aggregate classification (germline): Uncertain significance (1 of 4 stars; one submission).

Submission:

Ambry Genetics
Classification: Uncertain significance. Last evaluated: 2021-11-21. Review status: criteria provided, single submitter. Criteria: Ambry Variant Classification Scheme 2023. Collection method: clinical testing. Allele origin: germline.
Comment: The p.L93I variant (also known as c.277C>A), located in coding exon 4 of the NPAT gene, results from a C to A substitution at nucleotide position 277. The leucine at codon 93 is replaced by isoleucine, an amino acid with highly similar properties. This amino acid position is conserved. In addition, this alteration is predicted to be tolerated by in silico analysis. Since supporting evidence is limited at this time, the clinical significance of this alteration remains unclear.